The following is an entry in ClinVar:

NM_001201539.2(ARSF):c.689G>A (p.Gly230Asp)

Gene: ARSF (arylsulfatase F; plus strand). Cytogenetic location: Xp22.33.
Variant type: single nucleotide variant.
Coding change: c.689G>A on transcript NM_001201539.2 (MANE Select); coding-DNA position 689, G replaced by A.
Protein change: p.Gly230Asp; replaces glycine 230 with aspartic acid.
Molecular consequence: missense variant.
Genome position (GRCh38, 1-based): chrX:3,084,525, G>A. VCF-style: chrX-3084525-G-A. GRCh37 (hg19) VCF-style: chrX-3002566-G-A.
Other names: c.689G>A, p.Gly230Asp (NM_001201538.2, NM_004042.5); short protein forms G230D.
Identifiers: ClinVar variation 3041570 (VCV003041570.2), dbSNP rs368261230, ClinGen allele CA10338932.

ClinVar aggregate classification (germline): Benign (0 of 4 stars; one submission).

Conditions:
ARSF-related disorder. Also called: ARSF-related condition.

Allele frequency attached by ClinVar (database versions not stated): TOPMed 0.00016; gnomAD 0.00041; gnomAD exomes 0.00105; ExAC 0.00245; 1000 Genomes Project 30x 0.00458; 1000 Genomes Project 0.00503.
gnomAD v4.1: 1,208 of 1,209,262 alleles (0.1%); highest among the groups gnomAD compares: South Asian, 2%; 24 homozygotes.

Submission:

PreventionGenetics, part of Exact Sciences
Classification: Benign for ARSF-related condition. Last evaluated: 2019-05-10. Review status: no assertion criteria provided. Collection method: clinical testing. Allele origin: germline.
Comment: This variant is classified as benign based on ACMG/AMP sequence variant interpretation guidelines (Richards et al. 2015 PMID: 25741868, with internal and published modifications).